The following is an entry in ClinVar:

NM_001083.4(PDE5A):c.2010T>C (p.His670=)

Gene: PDE5A (phosphodiesterase 5A; minus strand). Cytogenetic location: 4q26.
Variant type: single nucleotide variant.
Coding change: c.2010T>C on transcript NM_001083.4 (MANE Select); coding-DNA position 2010, T replaced by C.
Protein change: p.His670=; no amino-acid change (histidine 670 retained).
Molecular consequence: synonymous variant.
Genome position (GRCh38, 1-based): chr4:119,511,125, A>G on the plus strand (T>C on the coding strand, the complement: PDE5A is on the minus strand). VCF-style: chr4-119511125-A-G. GRCh37 (hg19) VCF-style: chr4-120432280-A-G.
Other names: c.1884T>C, p.His628= (NM_033430.3); c.1980T>C, p.His660= (NM_033431.1); c.1854T>C, p.His618= (NM_033437.4).
Identifiers: ClinVar variation 2655054 (VCV002655054.24), dbSNP rs199578826, ClinGen allele CA3060129.

ClinVar aggregate classification (germline): Likely benign (1 of 4 stars; one submission).

Allele frequency attached by ClinVar (database versions not stated): gnomAD exomes 0.00013; ExAC 0.00014; ESP Exome Variant Server 0.00015; gnomAD 0.00025; TOPMed 0.00031.
gnomAD v4.1: 244 of 1,606,040 alleles (0.015%); highest among the groups gnomAD compares: Middle Eastern, 0.13%; no homozygotes.

Submission:

CeGaT Center for Human Genetics Tuebingen
Classification: Likely benign. Last evaluated: 2022-04-01. Review status: criteria provided, single submitter. Criteria: CeGaT Center For Human Genetics Tuebingen Variant Classification Criteria Version 2. Collection method: clinical testing. Allele origin: germline. Affected: yes. Observed: 1 variant allele.
Comment: PDE5A: BP4, BP7